The following is an entry in ClinVar:

NM_177438.3(DICER1):c.4085del (p.Lys1362fs)

Gene: DICER1 (dicer 1, ribonuclease III; minus strand). Cytogenetic location: 14q32.13.
Variant type: Deletion.
Coding change: c.4085del on transcript NM_177438.3 (MANE Select); coding-DNA position 4085, one base deleted (A; older notation c.4085delA).
Protein change: p.Lys1362fs; shifts the reading frame from lysine 1362.
Molecular consequence: frameshift variant.
Genome position (GRCh38, 1-based): chr14:95,099,901, T deleted on the plus strand (A on the coding strand, the reverse complement: DICER1 is on the minus strand); the first of 6 consecutive T bases (chr14:95,099,901-95,099,906); deleting any one gives the same sequence. VCF-style (leftmost placement, unchanged base first): chr14-95099900-CT-C. GRCh37 (hg19) VCF-style: chr14-95566237-CT-C.
Other names: c.4085delA (NM_177438.2); c.4085del, p.Lys1362fs (NM_001195573.1, NM_001271282.3, NM_001291628.2 and 1 more transcripts); short protein forms K1362fs.
Identifiers: ClinVar variation 952254 (VCV000952254.13), dbSNP rs1131691195, ClinGen allele CA645587730.
Genomic context (GRCh38, chr14:95,099,900, plus strand): 5'-AGGAAGCCAATTCACAGGGGGATCAAATATTGACACCACCATGCGGCTGGGTAGTCCCTT[CT>C]TTTTTCCAAGGCGATACAGATTACAGTTGCTGACCTTTAGCAGAAAATATTAGGATACTT-3'

ClinVar aggregate classification (germline): Pathogenic/Likely pathogenic. Review status: criteria provided, multiple submitters, no conflicts (2 of 4 stars). 3 submissions from 3 submitters: Pathogenic (2); Likely pathogenic (1). Last evaluated 2026-04-15.

Conditions:
Hereditary cancer-predisposing syndrome. Also called: Hereditary Cancer Syndrome; Neoplastic Syndromes, Hereditary; Tumor predisposition; Hereditary neoplastic syndrome. Identifiers: Orphanet 140162, MedGen C0027672, MeSH D009386, MONDO:0015356.
Global developmental delay - lung cysts - overgrowth - Wilms tumor syndrome. Also called: GLOBAL DEVELOPMENTAL DELAY, LUNG CYSTS, OVERGROWTH, AND WILMS TUMOR; GLOW Syndrome. Identifiers: Orphanet 404476, MedGen C4748924, MONDO:0018445, OMIM 618272.
DICER1-related tumor predisposition. Also called: DICER1-related pleuropulmonary blastoma cancer predisposition syndrome; DICER1 syndrome. Identifiers: Orphanet 284343, MedGen C3839822, MONDO:0100216.

Submissions (3):

Ambry Genetics
Classification: Pathogenic for Hereditary cancer-predisposing syndrome. Last evaluated: 2026-04-15. Review status: criteria provided, single submitter. Criteria: Ambry Variant Classification Scheme 2023. Collection method: clinical testing. Allele origin: germline.
Comment: The c.4085delA pathogenic mutation, located in coding exon 21 of the DICER1 gene, results from a deletion of one nucleotide at nucleotide position 4085, causing a translational frameshift with a predicted alternate stop codon (p.K1362Rfs*17). This variant was reported in individual(s) with features consistent with DICER1-related tumor predisposition (Ambry internal data). This variant is considered to be rare based on population cohorts in the Genome Aggregation Database (gnomAD). This alteration is expected to result in loss of function by premature protein truncation or nonsense-mediated mRNA decay. As such, this alteration is interpreted as a disease-causing mutation.

Baylor Genetics
Classification: Likely pathogenic for Global developmental delay - lung cysts - overgrowth - Wilms tumor syndrome. Last evaluated: 2022-06-10. Review status: criteria provided, single submitter. Criteria: ACMG Guidelines, 2015. Collection method: clinical testing. Allele origin: unknown.

Labcorp Genetics (formerly Invitae), Labcorp
Classification: Pathogenic for DICER1-related tumor predisposition. Last evaluated: 2019-04-28. Review status: criteria provided, single submitter. Criteria: Invitae Variant Classification Sherloc (09022015). Collection method: clinical testing. Allele origin: germline.
Comment: For these reasons, this variant has been classified as Pathogenic. Loss-of-function variants in DICER1 are known to be pathogenic (PMID: 19556464, 21266384). This variant has not been reported in the literature in individuals with DICER1-related conditions. This variant is not present in population databases (ExAC no frequency). This sequence change creates a premature translational stop signal (p.Lys1362Argfs*17) in the DICER1 gene. It is expected to result in an absent or disrupted protein product.

Literature cited by the submitters: PubMed 19556464 (cited by Labcorp Genetics (formerly Invitae), Labcorp); PubMed 21266384 (cited by Labcorp Genetics (formerly Invitae), Labcorp).